The following is an entry in ClinVar:

NM_001318510.2(ACSL4):c.1211C>T (p.Pro404Leu)

Gene: ACSL4 (acyl-CoA synthetase long chain family member 4; minus strand). Cytogenetic location: Xq23.
Variant type: single nucleotide variant.
Coding change: c.1211C>T on transcript NM_001318510.2 (MANE Select); coding-DNA position 1211, C replaced by T.
Protein change: p.Pro404Leu; replaces proline 404 with leucine.
Molecular consequence: missense variant.
Genome position (GRCh38, 1-based): chrX:109,668,205, G>A on the plus strand (C>T on the coding strand, the complement: ACSL4 is on the minus strand). VCF-style: chrX-109668205-G-A. GRCh37 (hg19) VCF-style: chrX-108911434-G-A.
Other names: c.1334C>T, p.Pro445Leu (NM_001318509.2, NM_022977.3); c.1211C>T, p.Pro404Leu (NM_004458.3); short protein forms P404L, P445L.
Identifiers: ClinVar variation 3139970 (VCV003139970.3), dbSNP rs1306239030, ClinGen allele CA414216110.

ClinVar aggregate classification (germline): Uncertain significance. Review status: criteria provided, multiple submitters, no conflicts (2 of 4 stars). 2 submissions from 2 submitters: Uncertain significance (2). Last evaluated 2024-04-18.

Conditions:
Inborn genetic diseases. Identifiers: MedGen C0950123, MeSH D030342.

Allele frequency attached by ClinVar (database versions not stated): gnomAD 0.00001.
gnomAD v4.1: 1 of 1,208,607 alleles (0.000083%); highest among the groups gnomAD compares: African/African-American, 0.0018%; no homozygotes.

Submissions (2):

Ambry Genetics
Classification: Uncertain significance for Inborn genetic diseases. Last evaluated: 2024-04-18. Review status: criteria provided, single submitter. Criteria: Ambry Variant Classification Scheme 2023. Collection method: clinical testing. Allele origin: germline.
Comment: The c.1211C>T (p.P404L) alteration is located in exon 11 (coding exon 9) of the ACSL4 gene. This alteration results from a C to T substitution at nucleotide position 1211, causing the proline (P) at amino acid position 404 to be replaced by a leucine (L). Based on data from gnomAD, the T allele has an overall frequency of 0.005% (1/21788) total alleles studied. The highest observed frequency was 0.017% (1/5821) of African alleles. This amino acid position is highly conserved in available vertebrate species. This alteration is predicted to be deleterious by in silico analysis. Based on insufficient or conflicting evidence, the clinical significance of this alteration remains unclear.

GeneDx
Classification: Uncertain significance. Last evaluated: 2023-07-27. Review status: criteria provided, single submitter. Criteria: GeneDx Variant Classification Process June 2021. Collection method: clinical testing. Allele origin: germline. Affected: yes.
Comment: In silico analysis supports that this missense variant has a deleterious effect on protein structure/function; Has not been previously published as pathogenic or benign to our knowledge